The following is an entry in ClinVar:

ClinVar aggregate classification (germline): Uncertain significance (1 of 4 stars; one submission).

Conditions:
Wilson disease (WND). Also called: Wilson's disease. Identifiers: Orphanet 905, MedGen C0019202, MONDO:0010200, OMIM 277900. Disease mechanism: loss of function.

gnomAD v4.1: 1 of 1,614,232 alleles (0.000062%); highest among the groups gnomAD compares: Non-Finnish European, 0.000085%; no homozygotes.

Submission:

Labcorp Genetics (formerly Invitae), Labcorp
Classification: Uncertain significance for Wilson disease. Last evaluated: 2025-04-14. Review status: criteria provided, single submitter. Criteria: Invitae Variant Classification Sherloc (09022015). Collection method: clinical testing. Allele origin: germline.
Comment: This sequence change replaces alanine, which is neutral and non-polar, with threonine, which is neutral and polar, at codon 1203 of the ATP7B protein (p.Ala1203Thr). This variant is not present in population databases (gnomAD no frequency). This variant has not been reported in the literature in individuals affected with ATP7B-related conditions. Invitae Evidence Modeling of protein sequence and biophysical properties (such as structural, functional, and spatial information, amino acid conservation, physicochemical variation, residue mobility, and thermodynamic stability) indicates that this missense variant is not expected to disrupt ATP7B protein function with a negative predictive value of 80%. In summary, the available evidence is currently insufficient to determine the role of this variant in disease. Therefore, it has been classified as a Variant of Uncertain Significance.

NM_000053.4(ATP7B):c.3607G>A (p.Ala1203Thr)

Gene: ATP7B (ATPase copper transporting beta; minus strand). Cytogenetic location: 13q14.3.
Variant type: single nucleotide variant.
Coding change: c.3607G>A on transcript NM_000053.4 (MANE Select); coding-DNA position 3607, G replaced by A.
Protein change: p.Ala1203Thr; replaces alanine 1203 with threonine.
Molecular consequence: missense variant.
Genome position (GRCh38, 1-based): chr13:51,939,143, C>T on the plus strand (G>A on the coding strand, the complement: ATP7B is on the minus strand). VCF-style: chr13-51939143-C-T. GRCh37 (hg19) VCF-style: chr13-52513279-C-T.
Other names: c.2986G>A, p.Ala996Thr (NM_001005918.3); c.3274G>A, p.Ala1092Thr (NM_001243182.2); c.3373G>A, p.Ala1125Thr (NM_001330578.2, NM_001406527.1, NM_001406528.1); c.3355G>A, p.Ala1119Thr (NM_001330579.2, NM_001406531.1, NM_001406532.1); c.3607G>A, p.Ala1203Thr (NM_001406511.1, NM_001406512.1, NM_001406526.1); c.3601G>A, p.Ala1201Thr (NM_001406513.1); c.3574G>A, p.Ala1192Thr (NM_001406514.1); c.3553G>A, p.Ala1185Thr (NM_001406515.1, NM_001406516.1); and 20 more; short protein forms A1039T, A1041T, A1077T, A1090T, A1093T, A1138T, A1142T, A1171T.
Identifiers: ClinVar variation 4775132 (VCV004775132.1).